The following is an entry in ClinVar:

NM_001148.6(ANK2):c.3970G>A (p.Val1324Ile)

Gene: ANK2 (ankyrin 2; plus strand). Cytogenetic location: 4q26.
Variant type: single nucleotide variant.
Coding change: c.3970G>A on transcript NM_001148.6 (MANE Select); coding-DNA position 3970, G replaced by A.
Protein change: p.Val1324Ile; replaces valine 1324 with isoleucine.
Molecular consequence: missense variant.
Genome position (GRCh38, 1-based): chr4:113,341,764, G>A. VCF-style: chr4-113341764-G-A. GRCh37 (hg19) VCF-style: chr4-114262920-G-A.
Other names: c.3586G>A, p.Val1196Ile (NM_001354277.2, NM_001386157.1); c.1498G>A, p.Val500Ile (NM_001354278.2, NM_001354281.2); c.1534G>A, p.Val512Ile (NM_001354279.2, NM_001354282.2); c.1519G>A, p.Val507Ile (NM_001354280.2); c.3769G>A, p.Val1257Ile (NM_001386142.1, NM_001386154.1, NM_001354274.2); c.3907G>A, p.Val1303Ile (NM_001386143.1, NM_001354243.2, NM_001354255.2); c.4015G>A, p.Val1339Ile (NM_001386144.1, NM_001354240.2, NM_001354241.2); c.3784G>A, p.Val1262Ile (NM_001386146.1, NM_001386149.1, NM_001386150.1 and 6 more transcripts); and 31 more; short protein forms V1163I, V1196I, V1224I, V1229I, V1237I, V1249I, V124I, V1253I.
Identifiers: ClinVar variation 1318769 (VCV001318769.11), dbSNP rs1261943601, ClinGen allele CA357909341.

ClinVar aggregate classification (germline): Uncertain significance. Review status: criteria provided, multiple submitters, no conflicts (2 of 4 stars). 3 submissions from 3 submitters: Uncertain significance (3). Last evaluated 2021-02-11.

Conditions:
Long QT syndrome (LQTS). Identifiers: MedGen C0023976, MeSH D008133, MONDO:0002442. Disease mechanism: loss of function. Inheritance: Various modes of inheritance.
Cardiovascular phenotype. Identifiers: MedGen CN230736.

Allele frequency attached by ClinVar (database versions not stated): TOPMed below 0.00001; gnomAD 0.00001; gnomAD exomes 0.00001.
gnomAD v4.1: 19 of 1,613,942 alleles (0.0012%); highest among the groups gnomAD compares: Middle Eastern, 0.016%; no homozygotes.

Submissions (3):

Labcorp Genetics (formerly Invitae), Labcorp
Classification: Uncertain significance for Long QT syndrome. Last evaluated: 2021-02-11. Review status: criteria provided, single submitter. Criteria: Invitae Variant Classification Sherloc (09022015). Collection method: clinical testing. Allele origin: germline.
Comment: This sequence change replaces valine with isoleucine at codon 1324 of the ANK2 protein (p.Val1324Ile). The valine residue is highly conserved and there is a small physicochemical difference between valine and isoleucine. This variant is not present in population databases (ExAC no frequency). This variant has not been reported in the literature in individuals with ANK2-related conditions. In summary, the available evidence is currently insufficient to determine the role of this variant in disease. Therefore, it has been classified as a Variant of Uncertain Significance. Algorithms developed to predict the effect of missense changes on protein structure and function are either unavailable or do not agree on the potential impact of this missense change (SIFT: "Tolerated"; PolyPhen-2: "Probably Damaging"; Align-GVGD: "Class C0").

Ambry Genetics
Classification: Uncertain significance for Cardiovascular phenotype. Last evaluated: 2020-03-19. Review status: criteria provided, single submitter. Criteria: Ambry Variant Classification Scheme 2023. Collection method: clinical testing. Allele origin: germline.
Comment: The p.V1324I variant (also known as c.3970G>A), located in coding exon 33 of the ANK2 gene, results from a G to A substitution at nucleotide position 3970. The valine at codon 1324 is replaced by isoleucine, an amino acid with highly similar properties. This amino acid position is highly conserved in available vertebrate species. In addition, this alteration is predicted to be tolerated by in silico analysis. Since supporting evidence is limited at this time, the clinical significance of this alteration remains unclear.

GeneDx
Classification: Uncertain significance. Last evaluated: 2019-04-01. Review status: criteria provided, single submitter. Criteria: GeneDx Variant Classification Process June 2021. Collection method: clinical testing. Allele origin: germline. Affected: yes.
Comment: Not observed at a significant frequency in large population cohorts (Lek et al., 2016); In silico analysis, which includes protein predictors and evolutionary conservation, supports that this variant does not alter protein structure/function; Has not been previously published as pathogenic or benign to our knowledge